The following is an entry in ClinVar:

ClinVar aggregate classification (germline): Uncertain significance. Review status: criteria provided, multiple submitters, no conflicts (2 of 4 stars). 2 submissions from 2 submitters: Uncertain significance (2). Last evaluated 2025-11-16.

Conditions:
Hereditary cancer-predisposing syndrome. Also called: Tumor predisposition; Hereditary Cancer Syndrome; Neoplastic Syndromes, Hereditary; Hereditary neoplastic syndrome. Identifiers: Orphanet 140162, MedGen C0027672, MeSH D009386, MONDO:0015356.
Familial cancer of breast. Also called: BREAST CANCER, FAMILIAL; Hereditary breast cancer; hereditary breast carcinoma. Identifiers: Orphanet 227535, MedGen C0346153, MONDO:0016419, OMIM 114480. Disease mechanism: loss of function.

Submissions (2):

Labcorp Genetics (formerly Invitae), Labcorp
Classification: Uncertain significance for Familial cancer of breast. Last evaluated: 2025-11-16. Review status: criteria provided, single submitter. Criteria: Invitae Variant Classification Sherloc (09022015). Collection method: clinical testing. Allele origin: germline.
Comment: This sequence change replaces glycine, which is neutral and non-polar, with serine, which is neutral and polar, at codon 323 of the BARD1 protein (p.Gly323Ser). This variant is not present in population databases (gnomAD no frequency). This variant has not been reported in the literature in individuals affected with BARD1-related conditions. ClinVar contains an entry for this variant (Variation ID: 823397). An algorithm developed to predict the effect of missense changes on protein structure and function (PolyPhen-2) suggests that this variant is likely to be tolerated. In summary, the available evidence is currently insufficient to determine the role of this variant in disease. Therefore, it has been classified as a Variant of Uncertain Significance.

Ambry Genetics
Classification: Uncertain significance for Hereditary cancer-predisposing syndrome. Last evaluated: 2022-10-14. Review status: criteria provided, single submitter. Criteria: Ambry Variant Classification Scheme 2023. Collection method: clinical testing. Allele origin: germline.
Comment: The p.G323S variant (also known as c.967G>A), located in coding exon 4 of the BARD1 gene, results from a G to A substitution at nucleotide position 967. The glycine at codon 323 is replaced by serine, an amino acid with similar properties. This amino acid position is not well conserved in available vertebrate species. In addition, this alteration is predicted to be tolerated by in silico analysis. Since supporting evidence is limited at this time, the clinical significance of this alteration remains unclear.

NM_000465.4(BARD1):c.967G>A (p.Gly323Ser)

Gene: BARD1 (BRCA1 associated RING domain 1; minus strand). Cytogenetic location: 2q35.
Variant type: single nucleotide variant.
Coding change: c.967G>A on transcript NM_000465.4 (MANE Select); coding-DNA position 967, G replaced by A.
Protein change: p.Gly323Ser; replaces glycine 323 with serine.
Molecular consequence: missense variant. On other transcripts: non-coding transcript variant (2), intron variant (3).
Genome position (GRCh38, 1-based): chr2:214,780,907, C>T on the plus strand (G>A on the coding strand, the complement: BARD1 is on the minus strand). VCF-style: chr2-214780907-C-T. GRCh37 (hg19) VCF-style: chr2-215645631-C-T.
Other names: c.910G>A, p.Gly304Ser (NM_001282543.2); c.159-28352G>A (NM_001282548.2); c.215+16154G>A (NM_001282545.2); c.364+11390G>A (NM_001282549.2); short protein forms G323S, G304S.
Identifiers: ClinVar variation 823397 (VCV000823397.5), dbSNP rs1574818244, ClinGen allele CA350454665.